The following is an entry in ClinVar:

NM_001365536.1(SCN9A):c.3617G>A (p.Ser1206Asn)

Genes: SCN9A (sodium voltage-gated channel alpha subunit 9; minus strand), SCN1A-AS1 (SCN1A and SCN9A antisense RNA 1; plus strand). Cytogenetic location: 2q24.3.
Variant type: single nucleotide variant.
Coding change: c.3617G>A on transcript NM_001365536.1 (MANE Select); coding-DNA position 3617, G replaced by A.
Protein change: p.Ser1206Asn; replaces serine 1206 with asparagine.
Molecular consequence: missense variant.
Genome position (GRCh38, 1-based): chr2:166,242,512, C>T on the plus strand (G>A on the coding strand, the complement: SCN9A is on the minus strand). VCF-style: chr2-166242512-C-T. GRCh37 (hg19) VCF-style: chr2-167099022-C-T.
Other names: c.3584G>A, p.Ser1195Asn (NM_002977.4); short protein forms S1206N, S1195N.
Identifiers: ClinVar variation 1422765 (VCV001422765.8), dbSNP rs1273160165, ClinGen allele CA349070042.

ClinVar aggregate classification (germline): Uncertain significance (1 of 4 stars; one submission).

Conditions:
Generalized epilepsy with febrile seizures plus, type 7 (GEFSP7). Also called: GEFS+, TYPE 7. Identifiers: Orphanet 36387, MedGen C2751778, MONDO:0013470, OMIM 613863.
Neuropathy, hereditary sensory and autonomic, type 2A (HSAN2A). Also called: ACROOSTEOLYSIS, GIACCAI TYPE; ACROOSTEOLYSIS, NEUROGENIC; MORVAN DISEASE; WNK1-Related HSAN2 (HSAN2A); NEUROPATHY, CONGENITAL SENSORY; NEUROPATHY, HEREDITARY SENSORY RADICULAR, AUTOSOMAL RECESSIVE. Identifiers: Orphanet 970, MedGen C2752089, MONDO:0024309, OMIM 201300.

Submission:

Labcorp Genetics (formerly Invitae), Labcorp
Classification: Uncertain significance for Neuropathy, hereditary sensory and autonomic, type 2A; Generalized epilepsy with febrile seizures plus, type 7. Last evaluated: 2026-01-17. Review status: criteria provided, single submitter. Criteria: Invitae Variant Classification Sherloc (09022015). Collection method: clinical testing. Allele origin: germline.
Comment: This sequence change replaces serine, which is neutral and polar, with asparagine, which is neutral and polar, at codon 1195 of the SCN9A protein (p.Ser1195Asn). This variant is not present in population databases (gnomAD no frequency). This variant has not been reported in the literature in individuals affected with SCN9A-related conditions. ClinVar contains an entry for this variant (Variation ID: 1422765). Invitae Evidence Modeling of protein sequence and biophysical properties (such as structural, functional, and spatial information, amino acid conservation, physicochemical variation, residue mobility, and thermodynamic stability) has been performed for this missense variant. However, the output from this modeling did not meet the statistical confidence thresholds required to predict the impact of this variant on SCN9A protein function. In summary, the available evidence is currently insufficient to determine the role of this variant in disease. Therefore, it has been classified as a Variant of Uncertain Significance.